The following is an entry in ClinVar:

ClinVar aggregate classification (germline): Uncertain significance. Review status: criteria provided, multiple submitters, no conflicts (2 of 4 stars). 2 submissions from 2 submitters: Uncertain significance (2). Last evaluated 2021-12-27.

Conditions:
Inborn genetic diseases. Identifiers: MedGen C0950123, MeSH D030342.

Allele frequency attached by ClinVar (database versions not stated): gnomAD exomes 0.00002; ExAC 0.00003; gnomAD 0.00003 and 0.00004; TOPMed 0.00006; ESP Exome Variant Server 0.00008.
gnomAD v4.1: 59 of 1,613,800 alleles (0.0037%); highest among the groups gnomAD compares: Non-Finnish European, 0.0046%; no homozygotes.

Submissions (2):

Labcorp Genetics (formerly Invitae), Labcorp
Classification: Uncertain significance. Last evaluated: 2021-12-27. Review status: criteria provided, single submitter. Criteria: Invitae Variant Classification Sherloc (09022015). Collection method: clinical testing. Allele origin: germline.
Comment: This sequence change replaces arginine, which is basic and polar, with tryptophan, which is neutral and slightly polar, at codon 672 of the GGCX protein (p.Arg672Trp). This variant is present in population databases (rs192108694, gnomAD 0.003%). This variant has not been reported in the literature in individuals affected with GGCX-related conditions. Algorithms developed to predict the effect of missense changes on protein structure and function are either unavailable or do not agree on the potential impact of this missense change (SIFT: "Deleterious"; PolyPhen-2: "Possibly Damaging"; Align-GVGD: "Class C0"). In summary, the available evidence is currently insufficient to determine the role of this variant in disease. Therefore, it has been classified as a Variant of Uncertain Significance.

Ambry Genetics
Classification: Uncertain significance for Inborn genetic diseases. Last evaluated: 2021-10-12. Review status: criteria provided, single submitter. Criteria: Ambry Variant Classification Scheme 2023. Collection method: clinical testing. Allele origin: germline.

NM_000821.7(GGCX):c.2014C>T (p.Arg672Trp)

Gene: GGCX (gamma-glutamyl carboxylase; minus strand). Cytogenetic location: 2p11.2.
Variant type: single nucleotide variant.
Coding change: c.2014C>T on transcript NM_000821.7 (MANE Select); coding-DNA position 2014, C replaced by T.
Protein change: p.Arg672Trp; replaces arginine 672 with tryptophan.
Molecular consequence: missense variant.
Genome position (GRCh38, 1-based): chr2:85,550,625, G>A on the plus strand (C>T on the coding strand, the complement: GGCX is on the minus strand). VCF-style: chr2-85550625-G-A. GRCh37 (hg19) VCF-style: chr2-85777748-G-A.
Other names: c.1843C>T, p.Arg615Trp (NM_001142269.4); c.2014C>T (NM_000821.5); short protein forms R672W, R615W.
Identifiers: ClinVar variation 1355196 (VCV001355196.4), dbSNP rs192108694, ClinGen allele CA1741668.
Genomic context (GRCh38, chr2:85,550,625, plus strand): 5'-AGACATAGAGCTTTCGCAACAAGAAGCGGAAGAATCGCTCATGGAAAGGAGTATTTCGCC[G>A]GCGTTCAATCTCCTGGAGCCTTTGTTGGCGTCTAAGAAAGGTCTGAACCAGAGGTGTTGG-3'
Protein context (NP_000812.2, residues 662-682): RQQRLQEIER[Arg672Trp]RNTPFHERFF